The following is an entry in ClinVar:

NM_000497.4(CYP11B1):c.995G>A (p.Arg332Gln)

Genes: CYP11B1 (cytochrome P450 family 11 subfamily B member 1; minus strand), LOC106799833 (CYP11B1 recombination region; plus strand). Cytogenetic location: 8q24.3.
Variant type: single nucleotide variant.
Coding change: c.995G>A on transcript NM_000497.4 (MANE Select); coding-DNA position 995, G replaced by A.
Protein change: p.Arg332Gln; replaces arginine 332 with glutamine.
Molecular consequence: missense variant.
Genome position (GRCh38, 1-based): chr8:142,875,838, C>T on the plus strand (G>A on the coding strand, the complement: CYP11B1 is on the minus strand). VCF-style: chr8-142875838-C-T. GRCh37 (hg19) VCF-style: chr8-143957254-C-T.
Other names: c.995G>A, p.Arg332Gln (NM_001026213.1); short protein forms R332Q.
Identifiers: ClinVar variation 56835 (VCV000056835.17), dbSNP rs149881706, ClinGen allele CA344785.

ClinVar aggregate classification (germline): Pathogenic/Likely pathogenic. Review status: criteria provided, multiple submitters, no conflicts (2 of 4 stars). 6 submissions from 6 submitters: Pathogenic (1); Likely pathogenic (3). 2 of the submissions do not count toward it. Last evaluated 2024-06-18.

Conditions:
Deficiency of steroid 11-beta-monooxygenase (CYP11B1). Also called: Congenital adrenal hyperplasia due to 11-beta-hydroxylase deficiency; P450C11B1 DEFICIENCY; STEROID 11-BETA-HYDROXYLASE DEFICIENCY; ADRENAL HYPERPLASIA, CONGENITAL, DUE TO STEROID 11-BETA-HYDROXYLASE DEFICIENCY; 11-BETA-HYDROXYLASE DEFICIENCY; ADRENAL HYPERPLASIA IV. Identifiers: Orphanet 90795, MedGen C0268292, MONDO:0008729, OMIM 202010. Disease mechanism: loss of function.
Glucocorticoid-remediable aldosteronism. Also called: GLUCOCORTICOID-SUPPRESSIBLE HYPERALDOSTERONISM; Hyperaldosteronism, familial, type I; ACTH-DEPENDENT HYPERALDOSTERONISM SYNDROME; ALDOSTERONISM, SENSITIVE TO DEXAMETHASONE; FH I. Identifiers: Orphanet 403, MedGen C3838731, MONDO:0007080, OMIM 103900.

Allele frequency attached by ClinVar (database versions not stated): TOPMed 0.00001; gnomAD 0.00002; gnomAD exomes 0.00002 and 0.00004; ExAC 0.00007; ESP Exome Variant Server 0.00008.
gnomAD v4.1: 36 of 1,613,982 alleles (0.0022%); highest among the groups gnomAD compares: South Asian, 0.021%; no homozygotes.

Submissions (6):

Fulgent Genetics
Classification: Likely pathogenic for Glucocorticoid-remediable aldosteronism; Deficiency of steroid 11-beta-monooxygenase. Last evaluated: 2024-06-18. Review status: criteria provided, single submitter. Criteria: ACMG Guidelines, 2015. Collection method: clinical testing. Allele origin: germline.

Baylor Genetics
Classification: Likely pathogenic for Deficiency of steroid 11-beta-monooxygenase. Last evaluated: 2024-03-14. Review status: criteria provided, single submitter. Criteria: ACMG Guidelines, 2015. Collection method: clinical testing. Allele origin: unknown.

Labcorp Genetics (formerly Invitae), Labcorp
Classification: Pathogenic. Last evaluated: 2023-12-25. Review status: criteria provided, single submitter. Criteria: Invitae Variant Classification Sherloc (09022015). Collection method: clinical testing. Allele origin: germline.
Comment: This sequence change replaces arginine, which is basic and polar, with glutamine, which is neutral and polar, at codon 332 of the CYP11B1 protein (p.Arg332Gln). This variant is present in population databases (rs149881706, gnomAD 0.01%). This missense change has been observed in individual(s) with adrenal hyperplasia (PMID: 24022297). In at least one individual the data is consistent with being in trans (on the opposite chromosome) from a pathogenic variant. It has also been observed to segregate with disease in related individuals. ClinVar contains an entry for this variant (Variation ID: 56835). Advanced modeling of protein sequence and biophysical properties (such as structural, functional, and spatial information, amino acid conservation, physicochemical variation, residue mobility, and thermodynamic stability) performed at Invitae indicates that this missense variant is expected to disrupt CYP11B1 protein function with a positive predictive value of 95%. Experimental studies have shown that this missense change affects CYP11B1 function (PMID: 24022297). This variant disrupts the p.Arg332 amino acid residue in CYP11B1. Other variant(s) that disrupt this residue have been determined to be pathogenic (PMID: 26476331). This suggests that this residue is clinically significant, and that variants that disrupt this residue are likely to be disease-causing. For these reasons, this variant has been classified as Pathogenic.

Juno Genomics, Hangzhou Juno Genomics, Inc
Classification: Likely pathogenic for Deficiency of steroid 11-beta-monooxygenase. Review status: criteria provided, single submitter. Criteria: ACMG Guidelines, 2015. Collection method: clinical testing. Allele origin: germline.
Comment: Absent from controls (or at extremely low frequency if recessive) in Genome Aggregation Database.;Multiple lines of computational evidence support a deleterious effect on the gene or gene product.;For recessive disorders, detected in trans with a pathogenic variant.;Patient's phenotype or family history is highly specific for a disease with a single genetic etiology.;Co-segregation with disease in multiple affected family members.

Zotz-Klimas Genetics Lab, MVZ Zotz Klimas
Classification: Pathogenic for Deficiency of steroid 11-beta-monooxygenase. Last evaluated: 2023-10-30. Review status: no assertion criteria provided. Collection method: clinical testing. Allele origin: germline. Affected: yes. Not counted in ClinVar's aggregate classification.

Pediatric Endocrinology Laboratory; Christian Albrechts University of Kiel
No classification provided. Condition: Deficiency of steroid 11-beta-monooxygenase. Review status: no classification provided. Collection method: not provided. Allele origin: germline. Not counted in ClinVar's aggregate classification.

Literature cited by the submitters: PubMed 24022297 (cited by Labcorp Genetics (formerly Invitae), Labcorp); PubMed 26476331 (cited by Labcorp Genetics (formerly Invitae), Labcorp).